The following is an entry in ClinVar:

NM_025179.4(PLXNA2):c.245C>T (p.Ala82Val)

Gene: PLXNA2 (plexin A2; minus strand). Cytogenetic location: 1q32.2.
Variant type: single nucleotide variant.
Coding change: c.245C>T on transcript NM_025179.4 (MANE Select); coding-DNA position 245, C replaced by T.
Protein change: p.Ala82Val; replaces alanine 82 with valine.
Molecular consequence: missense variant.
Genome position (GRCh38, 1-based): chr1:208,217,678, G>A on the plus strand (C>T on the coding strand, the complement: PLXNA2 is on the minus strand). VCF-style: chr1-208217678-G-A. GRCh37 (hg19) VCF-style: chr1-208391023-G-A.
Other names: c.245C>T (NM_025179.3); short protein forms A82V.
Identifiers: ClinVar variation 2977591 (VCV002977591.6), dbSNP rs201889146, ClinGen allele CA1374104.

ClinVar aggregate classification (germline): Uncertain significance. Review status: criteria provided, multiple submitters, no conflicts (2 of 4 stars). 3 submissions from 3 submitters: Uncertain significance (3). Last evaluated 2025-06-17.

Conditions:
PLXNA2-related disorder. Also called: PLXNA2-related condition.

Allele frequency attached by ClinVar (database versions not stated): gnomAD exomes 0.00002; gnomAD 0.00004; ExAC 0.00006; TOPMed 0.00006; 1000 Genomes Project 30x 0.00016; 1000 Genomes Project 0.00020.
gnomAD v4.1: 40 of 1,614,230 alleles (0.0025%); highest among the groups gnomAD compares: East Asian, 0.02%; no homozygotes.

Submissions (3):

PreventionGenetics, part of Exact Sciences
Classification: Uncertain significance for PLXNA2-related condition. Last evaluated: 2025-06-17. Review status: criteria provided, single submitter. Criteria: ACMG Guidelines, 2015. Collection method: clinical testing. Allele origin: germline.
Comment: The PLXNA2 c.245C>T variant is predicted to result in the amino acid substitution p.Ala82Val. To our knowledge, this variant has not been reported in the literature. This variant is reported in 0.038% of alleles in individuals of East Asian descent in gnomAD. At this time, the clinical significance of this variant is uncertain due to the absence of conclusive functional and genetic evidence.

Labcorp Genetics (formerly Invitae), Labcorp
Classification: Uncertain significance. Last evaluated: 2024-11-04. Review status: criteria provided, single submitter. Criteria: Invitae Variant Classification Sherloc (09022015). Collection method: clinical testing. Allele origin: germline.
Comment: This sequence change replaces alanine, which is neutral and non-polar, with valine, which is neutral and non-polar, at codon 82 of the PLXNA2 protein (p.Ala82Val). This variant is present in population databases (rs201889146, gnomAD 0.03%). This variant has not been reported in the literature in individuals affected with PLXNA2-related conditions. ClinVar contains an entry for this variant (Variation ID: 2977591). Invitae Evidence Modeling of protein sequence and biophysical properties (such as structural, functional, and spatial information, amino acid conservation, physicochemical variation, residue mobility, and thermodynamic stability) indicates that this missense variant is not expected to disrupt PLXNA2 protein function with a negative predictive value of 80%. In summary, the available evidence is currently insufficient to determine the role of this variant in disease. Therefore, it has been classified as a Variant of Uncertain Significance.

Ambry Genetics
Classification: Uncertain significance. Last evaluated: 2024-02-13. Review status: criteria provided, single submitter. Criteria: Ambry Variant Classification Scheme 2023. Collection method: clinical testing. Allele origin: germline.